The following is an entry in ClinVar:

ClinVar aggregate classification (germline): Likely pathogenic (1 of 4 stars; one submission).

Conditions:
Andersen Tawil syndrome (LQT7). Also called: Potassium-sensitive periodic paralysis, ventricular ectopy, and dysmorphic features; Andersen Syndrome; PERIODIC PARALYSIS, POTASSIUM-SENSITIVE CARDIODYSRHYTHMIC TYPE; LONG QT SYNDROME 7; ANDERSEN CARDIODYSRHYTHMIC PERIODIC PARALYSIS. Identifiers: Orphanet 37553, MedGen C1563715, MONDO:0008222, OMIM 170390.
Short QT syndrome type 3. Identifiers: Orphanet 51083, MedGen C1865018, MONDO:0012314, OMIM 609622.

Submission:

Labcorp Genetics (formerly Invitae), Labcorp
Classification: Likely pathogenic for Short QT syndrome type 3; Andersen Tawil syndrome. Last evaluated: 2022-06-20. Review status: criteria provided, single submitter. Criteria: Invitae Variant Classification Sherloc (09022015). Collection method: clinical testing. Allele origin: germline.
Comment: This variant disrupts the p.Pro186 amino acid residue in KCNJ2. Other variant(s) that disrupt this residue have been observed in individuals with KCNJ2-related conditions (PMID: 12163457, 22002906, 27145478), which suggests that this may be a clinically significant amino acid residue. In summary, the currently available evidence indicates that the variant is pathogenic, but additional data are needed to prove that conclusively. Therefore, this variant has been classified as Likely Pathogenic. Advanced modeling of protein sequence and biophysical properties (such as structural, functional, and spatial information, amino acid conservation, physicochemical variation, residue mobility, and thermodynamic stability) performed at Invitae indicates that this missense variant is expected to disrupt KCNJ2 protein function. ClinVar contains an entry for this variant (Variation ID: 652820). This missense change has been observed in individual(s) with clinical features of KCNJ2-related conditions (Invitae). This variant is not present in population databases (gnomAD no frequency). This sequence change replaces proline, which is neutral and non-polar, with glutamine, which is neutral and polar, at codon 186 of the KCNJ2 protein (p.Pro186Gln).

Literature cited by the submitters: PubMed 12163457; PubMed 22002906; PubMed 27145478.

NM_000891.3(KCNJ2):c.557C>A (p.Pro186Gln)

Gene: KCNJ2 (potassium inwardly rectifying channel subfamily J member 2; plus strand). Cytogenetic location: 17q24.3.
Variant type: single nucleotide variant.
Coding change: c.557C>A on transcript NM_000891.3 (MANE Select); coding-DNA position 557, C replaced by A.
Protein change: p.Pro186Gln; replaces proline 186 with glutamine.
Molecular consequence: missense variant.
Genome position (GRCh38, 1-based): chr17:70,175,596, C>A. VCF-style: chr17-70175596-C-A. GRCh37 (hg19) VCF-style: chr17-68171737-C-A.
Other names: short protein forms P186Q.
Identifiers: ClinVar variation 652820 (VCV000652820.10), dbSNP rs104894581, ClinGen allele CA400860997.